The following is an entry in ClinVar:

ClinVar aggregate classification (germline): Uncertain significance (1 of 4 stars; one submission).

Submission:

Labcorp Genetics (formerly Invitae), Labcorp
Classification: Uncertain significance. Last evaluated: 2023-07-09. Review status: criteria provided, single submitter. Criteria: Invitae Variant Classification Sherloc (09022015). Collection method: clinical testing. Allele origin: germline.
Comment: In summary, the available evidence is currently insufficient to determine the role of this variant in disease. Therefore, it has been classified as a Variant of Uncertain Significance. This variant has not been reported in the literature in individuals affected with RP9-related conditions. This variant is not present in population databases (gnomAD no frequency). This sequence change creates a premature translational stop signal (p.Tyr52Thrfs*79) in the RP9 gene. It is expected to result in an absent or disrupted protein product. However, the current clinical and genetic evidence is not sufficient to establish whether loss-of-function variants in RP9 cause disease.

NM_203288.2(RP9):c.153delT (p.Tyr52fs)

Gene: RP9 (RP9 pre-mRNA splicing factor; minus strand). Cytogenetic location: 7p14.3.
Variant type: Deletion.
Coding change: c.153delT on transcript NM_203288.2 (MANE Select); coding-DNA position 153, one base deleted (T).
Protein change: p.Tyr52fs; shifts the reading frame from tyrosine 52.
Molecular consequence: frameshift variant.
Genome position (GRCh38, 1-based): chr7:33,100,560, A deleted on the plus strand (T on the coding strand, the reverse complement: RP9 is on the minus strand); the first of 2 consecutive A bases (chr7:33,100,560-33,100,561); deleting either gives the same sequence. VCF-style (leftmost placement, unchanged base first): chr7-33100559-TA-T. GRCh37 (hg19) VCF-style: chr7-33140171-TA-T.
Other names: short protein forms Y52fs.
Identifiers: ClinVar variation 2875864 (VCV002875864.3), dbSNP rs2534916475, ClinGen allele CA2739266381.